The following is an entry in ClinVar:

NM_012199.5(AGO1):c.331-1G>A

Gene: AGO1 (argonaute RISC component 1; plus strand). Cytogenetic location: 1p34.3.
Variant type: single nucleotide variant.
Coding change: c.331-1G>A on transcript NM_012199.5 (MANE Select); the canonical splice acceptor site of the intron before coding-DNA position 331, G replaced by A.
Molecular consequence: splice acceptor variant.
Genome position (GRCh38, 1-based): chr1:35,893,096, G>A. VCF-style: chr1-35893096-G-A. GRCh37 (hg19) VCF-style: chr1-36358697-G-A.
Other names: c.106-1G>A (NM_001317123.2); c.331-1G>A (NM_001317122.2).
Identifiers: ClinVar variation 3901017 (VCV003901017.1).

ClinVar aggregate classification (germline): Uncertain significance (1 of 4 stars; one submission).

Conditions:
Neurodevelopmental disorder with language delay and behavioral abnormalities, with or without seizures (NEDLBAS). Identifiers: MedGen C5830365, MONDO:0859531, OMIM 620292.

Submission:

Laboratorio de Genetica e Diagnostico Molecular, Hospital Israelita Albert Einstein
Classification: Uncertain significance for Neurodevelopmental disorder with language delay and behavioral abnormalities, with or without seizures. Last evaluated: 2024-02-23. Review status: criteria provided, single submitter. Criteria: ACMG Guidelines, 2015. Collection method: clinical testing. Allele origin: germline. Affected: yes.
Comment: ACMG classification criteria: PM2 supporting, PP3 supporting